The following is an entry in ClinVar:

NM_018897.3(DNAH7):c.7731_7735del (p.Lys2577_Arg2578insTer)

Gene: DNAH7 (dynein axonemal heavy chain 7; minus strand). Cytogenetic location: 2q32.3.
Variant type: Microsatellite.
Coding change: c.7731_7735del on transcript NM_018897.3 (MANE Select); coding-DNA positions 7731 to 7735, 5 bases deleted (AAGAA; older notation c.7731_7735delAAGAA).
Protein change: p.Lys2577_Arg2578insTer.
Molecular consequence: frameshift variant.
Genome position (GRCh38, 1-based): chr2:195,861,718-195,861,722, TTCTT deleted on the plus strand (AAGAA on the coding strand, the reverse complement: DNAH7 is on the minus strand); deleting any 5 consecutive bases within chr2:195,861,718-195,861,731 gives the same sequence; the c. name uses the placement nearest the transcript's 3' end. VCF-style (leftmost placement, unchanged base first): chr2-195861717-CTTCTT-C. GRCh37 (hg19) VCF-style: chr2-196726441-CTTCTT-C.
Other names: c.7731_7735del (NM_018897.2); c.7731_7735del5 (NM_018897.2).
Identifiers: ClinVar variation 764730 (VCV000764730.6), dbSNP rs772772072, ClinGen allele CA2034807.

ClinVar aggregate classification (germline): Likely benign. Review status: criteria provided, single submitter (1 of 4 stars). 2 submissions from 2 submitters: Likely benign (1). 1 of the submissions does not count toward it. Last evaluated 2019-12-31.

Conditions:
DNAH7-related disorder. Also called: DNAH7-related condition.

Submissions (2):

Labcorp Genetics (formerly Invitae), Labcorp
Classification: Likely benign. Last evaluated: 2019-12-31. Review status: criteria provided, single submitter. Criteria: Invitae Variant Classification Sherloc (09022015). Collection method: clinical testing. Allele origin: germline.

PreventionGenetics, part of Exact Sciences
Classification: Likely benign for DNAH7-related condition. Last evaluated: 2020-04-20. Review status: no assertion criteria provided. Collection method: clinical testing. Allele origin: germline. Not counted in ClinVar's aggregate classification.
Comment: This variant is classified as likely benign based on ACMG/AMP sequence variant interpretation guidelines (Richards et al. 2015 PMID: 25741868, with internal and published modifications).